The following is an entry in ClinVar:

ClinVar aggregate classification (germline): Uncertain significance (1 of 4 stars; one submission).

Conditions:
Hereditary cancer-predisposing syndrome. Also called: Tumor predisposition; Hereditary Cancer Syndrome; Hereditary neoplastic syndrome; Neoplastic Syndromes, Hereditary. Identifiers: Orphanet 140162, MedGen C0027672, MeSH D009386, MONDO:0015356.

Submission:

Ambry Genetics
Classification: Uncertain significance for Hereditary cancer-predisposing syndrome. Last evaluated: 2024-04-17. Review status: criteria provided, single submitter. Criteria: Ambry Variant Classification Scheme 2023. Collection method: clinical testing. Allele origin: germline.
Comment: The p.Q64R variant (also known as c.191A>G), located in coding exon 1 of the MEN1 gene, results from an A to G substitution at nucleotide position 191. The glutamine at codon 64 is replaced by arginine, an amino acid with highly similar properties. This amino acid position is conserved. In addition, the in silico prediction for this alteration is inconclusive. Based on the available evidence, the clinical significance of this variant remains unclear.

NM_001370259.2(MEN1):c.191A>G (p.Gln64Arg)

Gene: MEN1 (menin 1; minus strand). Cytogenetic location: 11q13.1.
Variant type: single nucleotide variant.
Coding change: c.191A>G on transcript NM_001370259.2 (MANE Select); coding-DNA position 191, A replaced by G.
Protein change: p.Gln64Arg; replaces glutamine 64 with arginine.
Molecular consequence: missense variant. On other transcripts: non-coding transcript variant (4).
Genome position (GRCh38, 1-based): chr11:64,809,919, T>C on the plus strand (A>G on the coding strand, the complement: MEN1 is on the minus strand). VCF-style: chr11-64809919-T-C. GRCh37 (hg19) VCF-style: chr11-64577391-T-C.
Other names: c.191A>G, p.Gln64Arg (NM_000244.4, NM_001370251.2, NM_001370260.2 and 20 more transcripts); short protein forms Q64R.
Identifiers: ClinVar variation 3294212 (VCV003294212.1).